The following is an entry in ClinVar:

NM_001457.4(FLNB):c.2221C>G (p.His741Asp)

Gene: FLNB (filamin B; plus strand). Cytogenetic location: 3p14.3.
Variant type: single nucleotide variant.
Coding change: c.2221C>G on transcript NM_001457.4 (MANE Select); coding-DNA position 2221, C replaced by G.
Protein change: p.His741Asp; replaces histidine 741 with aspartic acid.
Molecular consequence: missense variant.
Genome position (GRCh38, 1-based): chr3:58,109,597, C>G. VCF-style: chr3-58109597-C-G. GRCh37 (hg19) VCF-style: chr3-58095324-C-G.
Other names: c.2221C>G, p.His741Asp (NM_001164317.2, NM_001164318.2, NM_001164319.2); short protein forms H741D.
Identifiers: ClinVar variation 3635706 (VCV003635706.2).
Genomic context (GRCh38, chr3:58,109,597, plus strand): 5'-TGGAGGAGAACTTGATGACCTTCTCCATGTCTTCTCTAGGTCAACATCGGGCAAGGTAGC[C>G]ATCCTCAGAAGGTCAAAGTGTTTGGGCCAGGTGTGGAGAGAAGTGGTCTGAAGGCAAATG-3'
Protein context (NP_001448.2, residues 731-751): PYRVNIGQGS[His741Asp]PQKVKVFGPG

ClinVar aggregate classification (germline): Uncertain significance (1 of 4 stars; one submission).

Submission:

Labcorp Genetics (formerly Invitae), Labcorp
Classification: Uncertain significance. Last evaluated: 2024-12-23. Review status: criteria provided, single submitter. Criteria: Invitae Variant Classification Sherloc (09022015). Collection method: clinical testing. Allele origin: germline.
Comment: This sequence change replaces histidine, which is basic and polar, with aspartic acid, which is acidic and polar, at codon 741 of the FLNB protein (p.His741Asp). This variant is not present in population databases (gnomAD no frequency). This variant has not been reported in the literature in individuals affected with FLNB-related conditions. Invitae Evidence Modeling of protein sequence and biophysical properties (such as structural, functional, and spatial information, amino acid conservation, physicochemical variation, residue mobility, and thermodynamic stability) indicates that this missense variant is not expected to disrupt FLNB protein function with a negative predictive value of 95%. In summary, the available evidence is currently insufficient to determine the role of this variant in disease. Therefore, it has been classified as a Variant of Uncertain Significance.